The following is an entry in ClinVar:

NM_020987.5(ANK3):c.1267G>A (p.Gly423Ser)

Gene: ANK3 (ankyrin 3; minus strand). Cytogenetic location: 10q21.2.
Variant type: single nucleotide variant.
Coding change: c.1267G>A on transcript NM_020987.5 (MANE Select); coding-DNA position 1267, G replaced by A.
Protein change: p.Gly423Ser; replaces glycine 423 with serine.
Molecular consequence: missense variant.
Genome position (GRCh38, 1-based): chr10:60,205,818, C>T on the plus strand (G>A on the coding strand, the complement: ANK3 is on the minus strand). VCF-style: chr10-60205818-C-T. GRCh37 (hg19) VCF-style: chr10-61965576-C-T.
Other names: c.1267G>A (NM_020987.3); c.1249G>A, p.Gly417Ser (NM_001204403.2); c.1216G>A, p.Gly406Ser (NM_001204404.2); c.1267G>A, p.Gly423Ser (NM_001320874.2); short protein forms G406S, G417S, G423S.
Identifiers: ClinVar variation 1674438 (VCV001674438.12), dbSNP rs139379111, ClinGen allele CA5513200.

ClinVar aggregate classification (germline): Conflicting classifications of pathogenicity. Review status: criteria provided, conflicting classifications (1 of 4 stars). 3 submissions from 3 submitters: Uncertain significance (2); Likely benign (1). Last evaluated 2025-01-06.

Conditions:
Inborn genetic diseases. Identifiers: MedGen C0950123, MeSH D030342.

Allele frequency attached by ClinVar (database versions not stated): gnomAD 0.00009 and 0.00011; ExAC 0.00014; gnomAD exomes 0.00014; ESP Exome Variant Server 0.00015; TOPMed 0.00016.
gnomAD v4.1: 129 of 1,613,714 alleles (0.008%); highest among the groups gnomAD compares: Middle Eastern, 0.033%; no homozygotes.

Submissions (3):

Labcorp Genetics (formerly Invitae), Labcorp
Classification: Likely benign. Last evaluated: 2025-01-06. Review status: criteria provided, single submitter. Criteria: Invitae Variant Classification Sherloc (09022015). Collection method: clinical testing. Allele origin: germline.

Ambry Genetics
Classification: Uncertain significance for Inborn genetic diseases. Last evaluated: 2024-08-14. Review status: criteria provided, single submitter. Criteria: Ambry Variant Classification Scheme 2023. Collection method: clinical testing. Allele origin: germline.
Comment: Unlikely to be causative of ANK3-related neurodevelopmental disorder (AD) Based on insufficient or conflicting evidence, the clinical significance of this alteration remains unclear.

Revvity Omics, Revvity
Classification: Uncertain significance. Last evaluated: 2019-01-18. Review status: criteria provided, single submitter. Criteria: ACMG Guidelines, 2015. Collection method: clinical testing. Allele origin: germline.

Literature cited by the submitters: PubMed 28191889 (cited by Ambry Genetics).